The following is an entry in ClinVar:

ClinVar aggregate classification (germline): Likely pathogenic (1 of 4 stars; one submission).

Conditions:
SYNE1-related disorder. Also called: SYNE1-related disease; SYNE1-related condition; SYNE1-related disorders.

Submission:

PreventionGenetics, part of Exact Sciences
Classification: Likely pathogenic for SYNE1-related condition. Last evaluated: 2022-12-01. Review status: criteria provided, single submitter. Criteria: ACMG Guidelines, 2015. Collection method: clinical testing. Allele origin: germline.
Comment: The SYNE1 c.19297A>T variant is predicted to result in premature protein termination (p.Lys6433*). To our knowledge, this variant has not been reported in the literature or in a large population database, indicating this variant is rare. Nonsense variants in SYNE1 are expected to be pathogenic. This variant is interpreted as likely pathogenic.

NM_182961.4(SYNE1):c.19510A>T (p.Lys6504Ter)

Gene: SYNE1 (spectrin repeat containing nuclear envelope protein 1; minus strand). Cytogenetic location: 6q25.2.
Variant type: single nucleotide variant.
Coding change: c.19510A>T on transcript NM_182961.4 (MANE Select); coding-DNA position 19510, A replaced by T.
Protein change: p.Lys6504Ter; replaces lysine 6504 with a stop codon.
Molecular consequence: nonsense.
Genome position (GRCh38, 1-based): chr6:152,249,223, T>A on the plus strand (A>T on the coding strand, the complement: SYNE1 is on the minus strand). VCF-style: chr6-152249223-T-A. GRCh37 (hg19) VCF-style: chr6-152570358-T-A.
Other names: c.19297A>T, p.Lys6433Ter (NM_033071.5); short protein forms K6433*, K6504*.
Identifiers: ClinVar variation 2635403 (VCV002635403.1), dbSNP rs2551776410, ClinGen allele CA366132387.